The following is an entry in ClinVar:

NM_003743.5(NCOA1):c.2875A>C (p.Lys959Gln)

Gene: NCOA1 (nuclear receptor coactivator 1; plus strand). Cytogenetic location: 2p23.3.
Variant type: single nucleotide variant.
Coding change: c.2875A>C on transcript NM_003743.5 (MANE Select); coding-DNA position 2875, A replaced by C.
Protein change: p.Lys959Gln; replaces lysine 959 with glutamine.
Molecular consequence: missense variant.
Genome position (GRCh38, 1-based): chr2:24,728,465, A>C. VCF-style: chr2-24728465-A-C. GRCh37 (hg19) VCF-style: chr2-24951334-A-C.
Other names: c.2875A>C, p.Lys959Gln (NM_001362950.1, NM_001362952.1, NM_001362954.1 and 3 more transcripts); short protein forms K959Q.
Identifiers: ClinVar variation 4985631 (VCV004985631.1).

ClinVar aggregate classification (germline): Uncertain significance (1 of 4 stars; one submission).

Conditions:
NCOA1-related disorder. Also called: NCOA1-related condition.

gnomAD v4.1: 1 of 1,611,768 alleles (0.000062%); highest among the groups gnomAD compares: Admixed American, 0.0017%; no homozygotes.

Submission:

PreventionGenetics, part of Exact Sciences
Classification: Uncertain significance for NCOA1-related condition. Last evaluated: 2026-05-23. Review status: criteria provided, single submitter. Criteria: ACMG Guidelines, 2015. Collection method: clinical testing. Allele origin: germline.
Comment: The NCOA1 c.2875A>C variant is predicted to result in the amino acid substitution p.Lys959Gln. To our knowledge, this variant has not been reported in the literature or in a large population database (gnomAD), indicating this variant is rare. At this time, the clinical significance of this variant is uncertain due to the absence of conclusive functional and genetic evidence.